The following is an entry in ClinVar:

NM_001267550.2(TTN):c.14002A>G (p.Thr4668Ala)

Gene: TTN (titin; minus strand). Cytogenetic location: 2q31.2.
Variant type: single nucleotide variant.
Coding change: c.14002A>G on transcript NM_001267550.2 (MANE Select); coding-DNA position 14002, A replaced by G.
Protein change: p.Thr4668Ala; replaces threonine 4668 with alanine.
Molecular consequence: missense variant. On other transcripts: intron variant (1).
Genome position (GRCh38, 1-based): chr2:178,739,231, T>C on the plus strand (A>G on the coding strand, the complement: TTN is on the minus strand). VCF-style: chr2-178739231-T-C. GRCh37 (hg19) VCF-style: chr2-179603958-T-C.
Other names: c.13051A>G, p.Thr4351Ala (NM_001256850.1); c.12913A>G, p.Thr4305Ala (NM_003319.4); c.13288A>G, p.Thr4430Ala (NM_133432.3); c.13489A>G, p.Thr4497Ala (NM_133437.4); c.10361-871A>G (NM_133378.4); short protein forms T4668A, T4351A, T4305A, T4497A, T4430A.
Identifiers: ClinVar variation 466820 (VCV000466820.10), dbSNP rs758920941, ClinGen allele CA2002496.

ClinVar aggregate classification (germline): Conflicting classifications of pathogenicity. Review status: criteria provided, conflicting classifications (1 of 4 stars). 4 submissions from 4 submitters: Uncertain significance (3); Likely benign (1). Last evaluated 2025-02-19.

Conditions:
TTN-related disorder. Also called: TTN-related condition; TTN-related disease; TTN-related disorders.
Autosomal recessive limb-girdle muscular dystrophy type 2J (LGMDR10). Also called: Limb-girdle muscular dystrophy, type 2J; MUSCULAR DYSTROPHY, LIMB-GIRDLE, AUTOSOMAL RECESSIVE 10. Identifiers: Orphanet 140922, MedGen C1837342, MONDO:0012127, OMIM 608807.
Dilated cardiomyopathy 1G (CMD1G). Identifiers: Orphanet 154, MedGen C1858763, MONDO:0011400, OMIM 604145.
Cardiomyopathy (CMYO). Also called: Cardiomyopathies. Identifiers: Orphanet 167848, MedGen C0878544, MONDO:0004994, HP:0001638. Inheritance: Various modes of inheritance.

Allele frequency attached by ClinVar (database versions not stated): gnomAD 0.00002; gnomAD exomes 0.00002 and 0.00004; TOPMed 0.00002; ExAC 0.00006.
gnomAD v4.1: 33 of 1,586,314 alleles (0.0021%); highest among the groups gnomAD compares: Non-Finnish European, 0.0025%; no homozygotes.

Submissions (4):

PreventionGenetics, part of Exact Sciences
Classification: Uncertain significance for TTN-related condition. Last evaluated: 2025-02-19. Review status: criteria provided, single submitter. Criteria: ACMG Guidelines, 2015. Collection method: clinical testing. Allele origin: germline.
Comment: The TTN c.14002A>G variant is predicted to result in the amino acid substitution p.Thr4668Ala. To our knowledge, this variant has not been reported in the literature. This variant is reported in 0.0082% of alleles in individuals of European (non-Finnish) descent in gnomAD. At this time, the clinical significance of this variant is uncertain due to the absence of conclusive functional and genetic evidence.

GeneDx
Classification: Likely benign. Last evaluated: 2018-06-26. Review status: criteria provided, single submitter. Criteria: GeneDx Variant Classification Process June 2021. Collection method: clinical testing. Allele origin: germline. Affected: yes.

Labcorp Genetics (formerly Invitae), Labcorp
Classification: Uncertain significance for Dilated cardiomyopathy 1G; Autosomal recessive limb-girdle muscular dystrophy type 2J. Last evaluated: 2018-01-06. Review status: criteria provided, single submitter. Criteria: Invitae Variant Classification Sherloc (09022015). Collection method: clinical testing. Allele origin: germline.

CHEO Genetics Diagnostic Laboratory, Children's Hospital of Eastern Ontario
Classification: Uncertain significance for Cardiomyopathy. Last evaluated: 2017-03-02. Review status: criteria provided, single submitter. Criteria: ACMG Guidelines, 2015. Collection method: clinical testing. Allele origin: germline. Study: Canadian Open Genetics Repository.